The following is an entry in ClinVar:

NM_014921.5(ADGRL1):c.530A>C (p.Tyr177Ser)

Genes: ADGRL1 (adhesion G protein-coupled receptor L1; minus strand), ADGRL1-AS1 (ADGRL1 antisense RNA 1; plus strand). Cytogenetic location: 19p13.12.
Variant type: single nucleotide variant.
Coding change: c.530A>C on transcript NM_014921.5 (MANE Select); coding-DNA position 530, A replaced by C.
Protein change: p.Tyr177Ser; replaces tyrosine 177 with serine.
Molecular consequence: missense variant.
Genome position (GRCh38, 1-based): chr19:14,163,271, T>G on the plus strand (A>C on the coding strand, the complement: ADGRL1 is on the minus strand). VCF-style: chr19-14163271-T-G. GRCh37 (hg19) VCF-style: chr19-14274083-T-G.
Other names: c.545A>C, p.Tyr182Ser (NM_001008701.3); short protein forms Y177S, Y182S.
Identifiers: ClinVar variation 5037639 (VCV005037639.1).

ClinVar aggregate classification (germline): Uncertain significance (1 of 4 stars; one submission).

Submission:

GeneDx
Classification: Uncertain significance. Last evaluated: 2026-04-24. Review status: criteria provided, single submitter. Criteria: GeneDx Variant Classification Process June 2021. Collection method: clinical testing. Allele origin: germline.
Comment: Not observed at significant frequency in large population cohorts (gnomAD); In silico analysis supports that this missense variant has a deleterious effect on protein structure/function; Has not been previously published as pathogenic or benign to our knowledge; Variants in candidate genes are classified as variants of uncertain significance in accordance with ACMG guidelines (PMID: 25741868)